The following is an entry in ClinVar:

NM_001257291.2(SLC9A7):c.77_85dup (p.Leu28_Leu29insProLeuLeu)

Genes: SLC9A7 (solute carrier family 9 member A7; minus strand), LOC130068197 (ATAC-STARR-seq lymphoblastoid silent region 20793; plus strand). Cytogenetic location: Xp11.3.
Variant type: Duplication.
Coding change: c.77_85dup on transcript NM_001257291.2 (MANE Select); coding-DNA positions 77 to 85, 9 bases duplicated (CGCTGCTGC; older notation c.77_85dupCGCTGCTGC).
Protein change: p.Leu28_Leu29insProLeuLeu.
Molecular consequence: inframe insertion.
Genome position (GRCh38, 1-based): chrX:46,758,945-46,758,953, GCAGCAGCG duplicated on the plus strand (CGCTGCTGC on the coding strand, the reverse complement: SLC9A7 is on the minus strand); duplicating any 9 consecutive bases within chrX:46,758,945-46,758,961 gives the same sequence; the c. name uses the placement nearest the transcript's 3' end. VCF-style (leftmost placement, unchanged base first): chrX-46758944-A-AGCAGCAGCG. GRCh37 (hg19) VCF-style: chrX-46618379-A-AGCAGCAGCG.
Other names: c.77_85dup, p.Leu28_Leu29insProLeuLeu (NM_032591.3).
Identifiers: ClinVar variation 2874478 (VCV002874478.3), dbSNP rs782420123, ClinGen allele CA10394148.
Genomic context (GRCh38, chrX:46,758,944, plus strand): 5'-TCCGCCGCCGCCCCAGAGGAGGAGGCCGAGGCCGCGGCCGCGACTCGCAGCCCCCAACCC[A>AGCAGCAGCG]GCAGCAGCGGCAGCAGCAGCAGCCGCGGCGGCGGCGCCCCGGTAGCCCGACCCGAGCCAG-3'

ClinVar aggregate classification (germline): Uncertain significance (1 of 4 stars; one submission).

Submission:

Labcorp Genetics (formerly Invitae), Labcorp
Classification: Uncertain significance. Last evaluated: 2023-07-18. Review status: criteria provided, single submitter. Criteria: Invitae Variant Classification Sherloc (09022015). Collection method: clinical testing. Allele origin: germline.
Comment: In summary, the available evidence is currently insufficient to determine the role of this variant in disease. Therefore, it has been classified as a Variant of Uncertain Significance. Experimental studies and prediction algorithms are not available or were not evaluated, and the functional significance of this variant is currently unknown. This variant has not been reported in the literature in individuals affected with SLC9A7-related conditions. This variant is not present in population databases (gnomAD no frequency). This variant, c.77_85dup, results in the insertion of 3 amino acid(s) of the SLC9A7 protein (p.Pro26_Leu28dup), but otherwise preserves the integrity of the reading frame.